The following is an entry in ClinVar:

ClinVar aggregate classification (germline): Uncertain significance (1 of 4 stars; one submission).

Conditions:
Hereditary cancer-predisposing syndrome. Also called: Neoplastic Syndromes, Hereditary; Tumor predisposition; Hereditary Cancer Syndrome; Hereditary neoplastic syndrome. Identifiers: Orphanet 140162, MedGen C0027672, MeSH D009386, MONDO:0015356.

Submission:

Ambry Genetics
Classification: Uncertain significance for Hereditary cancer-predisposing syndrome. Last evaluated: 2026-03-27. Review status: criteria provided, single submitter. Criteria: Ambry Variant Classification Scheme 2023. Collection method: clinical testing. Allele origin: germline.
Comment: The p.R107G variant (also known as c.319C>G), located in coding exon 3 of the SDHAF2 gene, results from a C to G substitution at nucleotide position 319. The arginine at codon 107 is replaced by glycine, an amino acid with dissimilar properties. This amino acid position is highly conserved in available vertebrate species. In addition, this alteration is predicted to be deleterious by in silico analysis. Based on the available evidence, the clinical significance of this variant remains unclear.

NM_017841.4(SDHAF2):c.319C>G (p.Arg107Gly)

Gene: SDHAF2 (succinate dehydrogenase complex assembly factor 2; plus strand). Cytogenetic location: 11q12.2.
Variant type: single nucleotide variant.
Coding change: c.319C>G on transcript NM_017841.4 (MANE Select); coding-DNA position 319, C replaced by G.
Protein change: p.Arg107Gly; replaces arginine 107 with glycine.
Molecular consequence: missense variant.
Genome position (GRCh38, 1-based): chr11:61,438,062, C>G. VCF-style: chr11-61438062-C-G. GRCh37 (hg19) VCF-style: chr11-61205534-C-G.
Other names: short protein forms R107G.
Identifiers: ClinVar variation 4864241 (VCV004864241.1).